The following is an entry in ClinVar:

NM_000257.4(MYH7):c.2766G>C (p.Met922Ile)

Gene: MYH7 (myosin heavy chain 7; minus strand). Cytogenetic location: 14q11.2.
Variant type: single nucleotide variant.
Coding change: c.2766G>C on transcript NM_000257.4 (MANE Select); coding-DNA position 2766, G replaced by C.
Protein change: p.Met922Ile; replaces methionine 922 with isoleucine.
Molecular consequence: missense variant.
Genome position (GRCh38, 1-based): chr14:23,424,063, C>G on the plus strand (G>C on the coding strand, the complement: MYH7 is on the minus strand). VCF-style: chr14-23424063-C-G. GRCh37 (hg19) VCF-style: chr14-23893272-C-G.
Other names: c.2766G>C, p.Met922Ile (NM_001407004.1); short protein forms M922I.
Identifiers: ClinVar variation 2773945 (VCV002773945.3), dbSNP rs138756911, ClinGen allele CA389047129.
Genomic context (GRCh38, chr14:23,424,063, plus strand): 5'-CTTGCGCTTCTTGGCAGTGAGCTCAGCATTCATCTCCTCCTCATCCTCCAGCCTCTCGTT[C>G]ATCTCCTTCACCTTGGCCTCCAGCTGAATCTTGTTTTTGATCAGCTGATCACAGCGCTCC-3'
Protein context (NP_000248.2, residues 912-932): KIQLEAKVKE[Met922Ile]NERLEDEEEM

ClinVar aggregate classification (germline): Uncertain significance. Review status: criteria provided, multiple submitters, no conflicts (2 of 4 stars). 2 submissions from 2 submitters: Uncertain significance (2). Last evaluated 2025-06-17.

Conditions:
Cardiomyopathy (CMYO). Also called: Cardiomyopathies. Identifiers: Orphanet 167848, MedGen C0878544, MONDO:0004994, HP:0001638. Inheritance: Various modes of inheritance.
Hypertrophic cardiomyopathy. Also called: HYPERTROPHIC MYOCARDIOPATHY. Identifiers: Orphanet 217569, MedGen C0007194, MeSH D002312, MONDO:0005045, HP:0001639.

gnomAD v4.1: 2 of 1,614,254 alleles (0.00012%); highest among the groups gnomAD compares: Non-Finnish European, 0.00017%; no homozygotes.

Submissions (2):

Labcorp Genetics (formerly Invitae), Labcorp
Classification: Uncertain significance for Hypertrophic cardiomyopathy. Last evaluated: 2025-06-17. Review status: criteria provided, single submitter. Criteria: Invitae Variant Classification Sherloc (09022015). Collection method: clinical testing. Allele origin: germline.
Comment: This sequence change replaces methionine, which is neutral and non-polar, with isoleucine, which is neutral and non-polar, at codon 922 of the MYH7 protein (p.Met922Ile). This variant is not present in population databases (gnomAD no frequency). This variant has not been reported in the literature in individuals affected with MYH7-related conditions. ClinVar contains an entry for this variant (Variation ID: 2773945). An algorithm developed to predict the effect of missense changes on protein structure and function outputs the following: PolyPhen-2: "Benign". The isoleucine amino acid residue is found in multiple mammalian species, which suggests that this missense change does not adversely affect protein function. In summary, the available evidence is currently insufficient to determine the role of this variant in disease. Therefore, it has been classified as a Variant of Uncertain Significance.

Color Diagnostics, LLC DBA Color Health
Classification: Uncertain significance for Cardiomyopathy. Last evaluated: 2022-04-19. Review status: criteria provided, single submitter. Criteria: ACMG Guidelines, 2015. Collection method: clinical testing. Allele origin: germline.
Comment: This missense variant replaces methionine with isoleucine at codon 922 of the MYH7 protein. Computational prediction suggests that this variant may not impact protein structure and function (internally defined REVEL score threshold <= 0.5, PMID: 27666373). To our knowledge, functional studies have not been reported for this variant. This variant has not been reported in individuals affected with cardiovascular disorders in the literature. This variant has not been identified in the general population by the Genome Aggregation Database (gnomAD). The available evidence is insufficient to determine the role of this variant in disease conclusively. Therefore, this variant is classified as a Variant of Uncertain Significance.